The following is an entry in ClinVar:

ClinVar aggregate classification (germline): Pathogenic (1 of 4 stars; one submission).

Conditions:
Alpha-N-acetylgalactosaminidase deficiency. Identifiers: Orphanet 3137, MedGen C5848084, MONDO:0017779.

Submission:

Myriad Genetics, Inc.
Classification: Pathogenic for Alpha-N-acetylgalactosaminidase deficiency. Last evaluated: 2025-11-14. Review status: criteria provided, single submitter. Criteria: Myriad Autosomal Dominant, Autosomal Recessive and X-Linked Classification Criteria (2023). Collection method: clinical testing. Allele origin: unknown.
Comment: NM_000262.2(NAGA):c.777delT(F259Lfs*5) is expected to be pathogenic in the context of NAGA-related disorders. This variant is predicted to lead to an abnormal or absent protein product due to the creation of a premature termination codon in NAGA, a gene where loss-of-function variants are known to be pathogenic. Please note: this variant was assessed in the context of healthy population screening.

NM_000262.3(NAGA):c.777del (p.Phe259fs)

Gene: NAGA (alpha-N-acetylgalactosaminidase; minus strand). Cytogenetic location: 22q13.2.
Variant type: Deletion.
Coding change: c.777del on transcript NM_000262.3 (MANE Select); coding-DNA position 777, one base deleted (T; older notation c.777delT).
Protein change: p.Phe259fs; shifts the reading frame from phenylalanine 259.
Molecular consequence: frameshift variant.
Genome position (GRCh38, 1-based): chr22:42,063,007, A deleted on the plus strand (T on the coding strand, the reverse complement: NAGA is on the minus strand); the first of 3 consecutive A bases (chr22:42,063,007-42,063,009); deleting any one gives the same sequence. VCF-style (leftmost placement, unchanged base first): chr22-42063006-CA-C. GRCh37 (hg19) VCF-style: chr22-42459010-CA-C.
Other names: c.777del, p.Phe259fs (NM_001362848.1, NM_001362850.1); short protein forms F259fs.
Identifiers: ClinVar variation 5015216 (VCV005015216.1).